The following is an entry in ClinVar:

NM_032447.5(FBN3):c.4156C>T (p.Arg1386Cys)

Gene: FBN3 (fibrillin 3; minus strand). Cytogenetic location: 19p13.2.
Variant type: single nucleotide variant.
Coding change: c.4156C>T on transcript NM_032447.5 (MANE Select); coding-DNA position 4156, C replaced by T.
Protein change: p.Arg1386Cys; replaces arginine 1386 with cysteine.
Molecular consequence: missense variant.
Genome position (GRCh38, 1-based): chr19:8,111,112, G>A on the plus strand (C>T on the coding strand, the complement: FBN3 is on the minus strand). VCF-style: chr19-8111112-G-A. GRCh37 (hg19) VCF-style: chr19-8175996-G-A.
Other names: c.4156C>T (NM_032447.3); c.4156C>T, p.Arg1386Cys (NM_001321431.2); short protein forms R1386C.
Identifiers: ClinVar variation 1965790 (VCV001965790.7), dbSNP rs773062974, ClinGen allele CA9152159.

ClinVar aggregate classification (germline): Uncertain significance. Review status: criteria provided, multiple submitters, no conflicts (2 of 4 stars). 2 submissions from 2 submitters: Uncertain significance (2). Last evaluated 2024-04-08.

Allele frequency attached by ClinVar (database versions not stated): TOPMed 0.00002; ExAC 0.00007.
gnomAD v4.1: 41 of 1,613,592 alleles (0.0025%); highest among the groups gnomAD compares: South Asian, 0.025%; 1 homozygote.

Submissions (2):

Labcorp Genetics (formerly Invitae), Labcorp
Classification: Uncertain significance. Last evaluated: 2024-04-08. Review status: criteria provided, single submitter. Criteria: Invitae Variant Classification Sherloc (09022015). Collection method: clinical testing. Allele origin: germline.
Comment: This sequence change replaces arginine, which is basic and polar, with cysteine, which is neutral and slightly polar, at codon 1386 of the FBN3 protein (p.Arg1386Cys). This variant is present in population databases (rs773062974, gnomAD 0.03%). This variant has not been reported in the literature in individuals affected with FBN3-related conditions. ClinVar contains an entry for this variant (Variation ID: 1965790). Advanced modeling of protein sequence and biophysical properties (such as structural, functional, and spatial information, amino acid conservation, physicochemical variation, residue mobility, and thermodynamic stability) performed at Invitae indicates that this missense variant is expected to disrupt FBN3 protein function with a positive predictive value of 80%. In summary, the available evidence is currently insufficient to determine the role of this variant in disease. Therefore, it has been classified as a Variant of Uncertain Significance.

Ambry Genetics
Classification: Uncertain significance. Last evaluated: 2023-03-21. Review status: criteria provided, single submitter. Criteria: Ambry Variant Classification Scheme 2023. Collection method: clinical testing. Allele origin: germline.